The following is an entry in ClinVar:

NM_001614.5(ACTG1):c.363+115C>A

Gene: ACTG1 (actin gamma 1; minus strand). Cytogenetic location: 17q25.3.
Variant type: single nucleotide variant.
Coding change: c.363+115C>A on transcript NM_001614.5 (MANE Select); 115 bases into the intron after coding-DNA position 363, C replaced by A.
Molecular consequence: intron variant.
Genome position (GRCh38, 1-based): chr17:81,511,788, G>T on the plus strand (C>A on the coding strand, the complement: ACTG1 is on the minus strand). VCF-style: chr17-81511788-G-T. GRCh37 (hg19) VCF-style: chr17-79478814-G-T.
Other names: c.363+115C>A (NM_001199954.3).
Identifiers: ClinVar variation 1222635 (VCV001222635.27), dbSNP rs545109300, ClinGen allele CA8836176.

ClinVar aggregate classification (germline): Benign. Review status: criteria provided, multiple submitters, no conflicts (2 of 4 stars). 2 submissions from 2 submitters: Benign (2). Last evaluated 2022-04-01.

Allele frequency attached by ClinVar (database versions not stated): 1000 Genomes Project 0.00040; 1000 Genomes Project 30x 0.00062.
gnomAD v4.1: 160 of 1,571,734 alleles (0.01%); highest among the groups gnomAD compares: South Asian, 0.16%; 3 homozygotes.

Submissions (2):

CeGaT Center for Human Genetics Tuebingen
Classification: Benign. Last evaluated: 2022-04-01. Review status: criteria provided, single submitter. Criteria: CeGaT Center For Human Genetics Tuebingen Variant Classification Criteria Version 2. Collection method: clinical testing. Allele origin: germline. Affected: yes. Observed: 1 variant allele.
Comment: ACTG1: BS1, BS2

GeneDx
Classification: Benign. Last evaluated: 2021-02-20. Review status: criteria provided, single submitter. Criteria: GeneDx Variant Classification Process June 2021. Collection method: clinical testing. Allele origin: germline. Affected: yes.